The following is an entry in ClinVar:

NM_016169.4(SUFU):c.454+6A>T

Gene: SUFU (SUFU negative regulator of hedgehog signaling; plus strand). Cytogenetic location: 10q24.32.
Variant type: single nucleotide variant.
Coding change: c.454+6A>T on transcript NM_016169.4 (MANE Select); 6 bases into the intron after coding-DNA position 454, A replaced by T.
Molecular consequence: intron variant.
Genome position (GRCh38, 1-based): chr10:102,550,112, A>T. VCF-style: chr10-102550112-A-T. GRCh37 (hg19) VCF-style: chr10-104309869-A-T.
Other names: c.454+6A>T (NM_001178133.2).
Identifiers: ClinVar variation 958489 (VCV000958489.10), dbSNP rs2062897274, ClinGen allele CA1139661667.

ClinVar aggregate classification (germline): Uncertain significance (1 of 4 stars; one submission).

Conditions:
Gorlin syndrome. Also called: Basal cell nevus syndrome; Nevoid Basal Cell Carcinoma Syndrome. Identifiers: Orphanet 377, MedGen C0004779, MONDO:0007187.
Medulloblastoma (MDB). Also called: MEDULLOBLASTOMA PREDISPOSITION SYNDROME; Medulloblastoma, somatic. Identifiers: Orphanet 616, MedGen C0025149, MeSH D008527, MONDO:0007959, OMIM 155255, HP:0002885.

Allele frequency attached by ClinVar (database versions not stated): gnomAD exomes below 0.00001; TOPMed below 0.00001.
gnomAD v4.1: 1 of 1,614,104 alleles (0.000062%); highest among the groups gnomAD compares: Non-Finnish European, 0.000085%; no homozygotes.

Submission:

Labcorp Genetics (formerly Invitae), Labcorp
Classification: Uncertain significance for Gorlin syndrome; Medulloblastoma. Last evaluated: 2020-06-07. Review status: criteria provided, single submitter. Criteria: Invitae Variant Classification Sherloc (09022015). Collection method: clinical testing. Allele origin: germline.
Comment: This sequence change falls in intron 3 of the SUFU gene. It does not directly change the encoded amino acid sequence of the SUFU protein, but it affects a nucleotide within the consensus splice site of the intron. This variant is not present in population databases (ExAC no frequency). This variant has not been reported in the literature in individuals with SUFU-related conditions. Nucleotide substitutions within the consensus splice site are a relatively common cause of aberrant splicing (PMID: 17576681, 9536098). Algorithms developed to predict the effect of sequence changes on RNA splicing suggest that this variant is not likely to affect RNA splicing, but this prediction has not been confirmed by published transcriptional studies. In summary, the available evidence is currently insufficient to determine the role of this variant in disease. Therefore, it has been classified as a Variant of Uncertain Significance.

Literature cited by the submitters: PubMed 17576681; PubMed 9536098.